The following is an entry in ClinVar:

NM_007294.4(BRCA1):c.2612C>A (p.Pro871Gln)

Gene: BRCA1 (BRCA1 DNA repair associated; minus strand). Cytogenetic location: 17q21.31.
Variant type: single nucleotide variant.
Coding change: c.2612C>A on transcript NM_007294.4 (MANE Select); coding-DNA position 2612, C replaced by A.
Protein change: p.Pro871Gln; replaces proline 871 with glutamine.
Molecular consequence: missense variant. On other transcripts: intron variant (137).
Genome position (GRCh38, 1-based): chr17:43,092,919, G>T on the plus strand (C>A on the coding strand, the complement: BRCA1 is on the minus strand). VCF-style: chr17-43092919-G-T. GRCh37 (hg19) VCF-style: chr17-41244936-G-T.
Other names: c.2471C>A, p.Pro824Gln (NM_001407735.1, NM_001407736.1, NM_001407737.1 and 29 more transcripts); c.2468C>A, p.Pro823Gln (NM_001407740.1, NM_001407741.1, NM_001407742.1 and 20 more transcripts); c.2399C>A, p.Pro800Gln (NM_001407853.1, NM_001407894.1, NM_001407895.1 and 9 more transcripts); c.2612C>A, p.Pro871Gln (NM_001407854.1, NM_001407858.1, NM_001407859.1 and 30 more transcripts); c.2609C>A, p.Pro870Gln (NM_001407860.1, NM_001407861.1, NM_001407587.1 and 22 more transcripts); c.2411C>A, p.Pro804Gln (NM_001407862.1); c.2489C>A, p.Pro830Gln (NM_001407863.1, NM_001407919.1, NM_001407937.1 and 19 more transcripts); c.2408C>A, p.Pro803Gln (NM_001407874.1, NM_001407875.1); and 41 more; short protein forms P871Q, P824Q, P759Q, P804Q, P870Q, P575Q, P703Q, P743Q.
Identifiers: ClinVar variation 54618 (VCV000054618.20), dbSNP rs799917, ClinGen allele CA001718.

ClinVar aggregate classification (germline): Conflicting classifications of pathogenicity. Review status: criteria provided, conflicting classifications (1 of 4 stars). 6 submissions from 6 submitters: Uncertain significance (4); Likely benign (1). 1 of the submissions does not count toward it. Last evaluated 2025-07-18.

Conditions:
Hereditary cancer-predisposing syndrome. Also called: Tumor predisposition; Neoplastic Syndromes, Hereditary; Hereditary Cancer Syndrome; Hereditary neoplastic syndrome. Identifiers: Orphanet 140162, MedGen C0027672, MeSH D009386, MONDO:0015356.
Hereditary breast ovarian cancer syndrome. Also called: Hereditary breast and ovarian cancer syndrome (HBOC); Hereditary breast and ovarian cancer syndrome; Hereditary breast and ovarian cancer; Hereditary breast and/or ovarian cancer syndrome; Breast and ovarian cancer; BRCA1- and BRCA2-Associated Hereditary Breast and Ovarian Cancer. Identifiers: Orphanet 145, MedGen C0677776, MeSH D061325, MONDO:0003582. Disease mechanism: loss of function.
Breast-ovarian cancer, familial, susceptibility to, 1 (BROVCA1). Also called: OVARIAN CANCER, SUSCEPTIBILITY TO; BRCA1 Hereditary Breast and Ovarian Cancer. Identifiers: Orphanet 145, MedGen C2676676, MONDO:0011450, OMIM 604370. Disease mechanism: loss of function.

Submissions (6):

Color Diagnostics, LLC DBA Color Health
Classification: Uncertain significance for Hereditary cancer-predisposing syndrome. Last evaluated: 2025-07-18. Review status: criteria provided, single submitter. Criteria: ACMG Guidelines, 2015. Collection method: clinical testing. Allele origin: germline.
Comment: This missense variant replaces proline with glutamine at codon 871 of the BRCA1 protein. Computational prediction suggests that this variant may not impact protein structure and function. To our knowledge, functional studies have not been reported for this variant. A multifactorial analysis has reported co-occurrence and family history likelihood ratios of 1.0673 and 0.5374, respectively (PMID: 31131967). This variant has not been identified in the general population by the Genome Aggregation Database (gnomAD). The available evidence is insufficient to determine the role of this variant in disease conclusively. Therefore, this variant is classified as a Variant of Uncertain Significance.

Ambry Genetics
Classification: Uncertain significance for Hereditary cancer-predisposing syndrome. Last evaluated: 2025-01-06. Review status: criteria provided, single submitter. Criteria: Ambry Variant Classification Scheme 2023. Collection method: clinical testing. Allele origin: germline.
Comment: The p.P871Q variant (also known as c.2612C>A), located in coding exon 9 of the BRCA1 gene, results from a C to A substitution at nucleotide position 2612. The proline at codon 871 is replaced by glutamine, an amino acid with similar properties. This amino acid position is poorly conserved in available vertebrate species. In addition, this alteration is predicted to be tolerated by in silico analysis. Based on the available evidence, the clinical significance of this variant remains unclear.

GeneDx
Classification: Uncertain significance. Last evaluated: 2023-04-04. Review status: criteria provided, single submitter. Criteria: GeneDx Variant Classification Process June 2021. Collection method: clinical testing. Allele origin: germline. Affected: yes.
Comment: Observed in individuals with a personal or family history of BRCA1-related cancers (D'Argenio et al., 2015); In silico analysis supports that this missense variant does not alter protein structure/function; Not observed at significant frequency in large population cohorts (gnomAD); Also known as 2731C>A; This variant is associated with the following publications: (PMID: 31131967, 15343273, 24244370, 16267036, 25896959)

University of Washington Department of Laboratory Medicine, University of Washington
Classification: Likely benign for Hereditary cancer-predisposing syndrome. Last evaluated: 2023-03-23. Review status: criteria provided, single submitter. Criteria: Dines et al. (Genet Med. 2020). Collection method: curation. Allele origin: germline.
Comment: Missense variant in a coldspot region where missense variants are very unlikely to be pathogenic (PMID:31911673).

BRCA1 coldspot (exon 11 using historical exon numbering). Reclassification based on statistical prior probability

Labcorp Genetics (formerly Invitae), Labcorp
Classification: Uncertain significance for Hereditary breast ovarian cancer syndrome. Last evaluated: 2021-08-03. Review status: criteria provided, single submitter. Criteria: Invitae Variant Classification Sherloc (09022015). Collection method: clinical testing. Allele origin: germline.
Comment: In summary, the available evidence is currently insufficient to determine the role of this variant in disease. Therefore, it has been classified as a Variant of Uncertain Significance. Advanced modeling of protein sequence and biophysical properties (such as structural, functional, and spatial information, amino acid conservation, physicochemical variation, residue mobility, and thermodynamic stability) performed at Invitae indicates that this missense variant is not expected to disrupt BRCA1 protein function. ClinVar contains an entry for this variant (Variation ID: 54618). This variant has been observed in individual(s) with a personal or family history of breast cancer and in the germline of a squamous cell carcinoma lung cell line (PMID: 24244370, 25896959). This variant is not present in population databases (ExAC no frequency). This sequence change replaces proline with glutamine at codon 871 of the BRCA1 protein (p.Pro871Gln). The proline residue is weakly conserved and there is a moderate physicochemical difference between proline and glutamine.

Breast Cancer Information Core (BIC) (BRCA1)
Classification: Uncertain significance for Breast-ovarian cancer, familial 1. Last evaluated: 2004-02-20. Review status: no assertion criteria provided. Collection method: clinical testing. Allele origin: germline. Affected: yes. Observed: 1 variant allele. Not counted in ClinVar's aggregate classification.

Literature cited by the submitters: PubMed 31131967 (cited by Color Diagnostics, LLC DBA Color Health); PubMed 24244370 (cited by Labcorp Genetics (formerly Invitae), Labcorp); PubMed 25896959 (cited by Labcorp Genetics (formerly Invitae), Labcorp).